The following is an entry in ClinVar:

ClinVar aggregate classification (germline): Uncertain significance. Review status: criteria provided, multiple submitters, no conflicts (2 of 4 stars). 2 submissions from 2 submitters: Uncertain significance (2). Last evaluated 2026-06-04.

Conditions:
Inborn genetic diseases. Identifiers: MedGen C0950123, MeSH D030342.

Submissions (2):

Ambry Genetics
Classification: Uncertain significance for Inborn genetic diseases. Last evaluated: 2026-06-04. Review status: criteria provided, single submitter. Criteria: Ambry Variant Classification Scheme 2023. Collection method: clinical testing. Allele origin: germline.

Labcorp Genetics (formerly Invitae), Labcorp
Classification: Uncertain significance. Last evaluated: 2025-05-13. Review status: criteria provided, single submitter. Criteria: Invitae Variant Classification Sherloc (09022015). Collection method: clinical testing. Allele origin: germline.
Comment: This sequence change replaces glycine, which is neutral and non-polar, with arginine, which is basic and polar, at codon 1159 of the COL7A1 protein (p.Gly1159Arg). This variant is not present in population databases (gnomAD no frequency). This variant has not been reported in the literature in individuals affected with COL7A1-related conditions. Invitae Evidence Modeling of protein sequence and biophysical properties (such as structural, functional, and spatial information, amino acid conservation, physicochemical variation, residue mobility, and thermodynamic stability) indicates that this missense variant is not expected to disrupt COL7A1 protein function with a negative predictive value of 95%. In summary, the available evidence is currently insufficient to determine the role of this variant in disease. Therefore, it has been classified as a Variant of Uncertain Significance.

NM_000094.4(COL7A1):c.3475G>A (p.Gly1159Arg)

Gene: COL7A1 (collagen type VII alpha 1 chain; minus strand). Cytogenetic location: 3p21.31.
Variant type: single nucleotide variant.
Coding change: c.3475G>A on transcript NM_000094.4 (MANE Select); coding-DNA position 3475, G replaced by A.
Protein change: p.Gly1159Arg; replaces glycine 1159 with arginine.
Molecular consequence: missense variant.
Genome position (GRCh38, 1-based): chr3:48,586,407, C>T on the plus strand (G>A on the coding strand, the complement: COL7A1 is on the minus strand). VCF-style: chr3-48586407-C-T. GRCh37 (hg19) VCF-style: chr3-48623840-C-T.
Other names: short protein forms G1159R.
Identifiers: ClinVar variation 4695517 (VCV004695517.2).
Genomic context (GRCh38, chr3:48,586,407, plus strand): 5'-CACGGATGGGGCTGAATATGTCACCTCTCAAGGGTTCATCCACTAGCAGAACCATCACCC[C>T]TGGTACGTGCTGGCGGCGCCCAGGAGCATCTGGTGCCAACATGTATCTGTGAGCTGTGAC-3'
Protein context (NP_000085.1, residues 1149-1169): DAPGRRQHVP[Gly1159Arg]VMVLLVDEPL